The following is an entry in ClinVar:

ClinVar aggregate classification (germline): Conflicting classifications of pathogenicity. Review status: criteria provided, conflicting classifications (1 of 4 stars). 2 submissions from 2 submitters: Uncertain significance (1); Likely benign (1). Last evaluated 2025-04-22.

Conditions:
Duchenne muscular dystrophy (DMD). Also called: MUSCULAR DYSTROPHY, PSEUDOHYPERTROPHIC PROGRESSIVE, DUCHENNE TYPE; Duchenne Muscular Dystrophy (DMD). Identifiers: Orphanet 98896, MedGen C0013264, MONDO:0010679, OMIM 310200.

Submissions (2):

Labcorp Genetics (formerly Invitae), Labcorp
Classification: Uncertain significance for Duchenne muscular dystrophy. Last evaluated: 2025-04-22. Review status: criteria provided, single submitter. Criteria: Invitae Variant Classification Sherloc (09022015). Collection method: clinical testing. Allele origin: germline.
Comment: This variant, c.5544_5549del, results in the deletion of 2 amino acid(s) of the DMD protein (p.Ile1849_Lys1850del), but otherwise preserves the integrity of the reading frame. This variant is present in population databases (rs780967715, gnomAD 0.008%). This variant has not been reported in the literature in individuals affected with DMD-related conditions. ClinVar contains an entry for this variant (Variation ID: 1432670). Experimental studies and prediction algorithms are not available or were not evaluated, and the functional significance of this variant is currently unknown. In summary, the available evidence is currently insufficient to determine the role of this variant in disease. Therefore, it has been classified as a Variant of Uncertain Significance.

Revvity Omics, Revvity
Classification: Likely benign. Last evaluated: 2024-04-26. Review status: criteria provided, single submitter. Criteria: ACMG Guidelines, 2015. Collection method: clinical testing. Allele origin: germline.

NM_004006.3(DMD):c.5544_5549del (p.1847IK[1])

Gene: DMD (dystrophin; minus strand). Cytogenetic location: Xp21.1.
Variant type: Deletion.
Coding change: c.5544_5549del on transcript NM_004006.3 (MANE Select); coding-DNA positions 5544 to 5549, 6 bases deleted (GATAAA; older notation c.5544_5549delGATAAA).
Protein change: p.1847IK[1].
Molecular consequence: inframe deletion.
Genome position (GRCh38, 1-based): chrX:32,345,980-32,345,985, TTTATC deleted on the plus strand (GATAAA on the coding strand, the reverse complement: DMD is on the minus strand); deleting any 6 consecutive bases within chrX:32,345,980-32,345,990 gives the same sequence; the c. name uses the placement nearest the transcript's 3' end. VCF-style (leftmost placement, unchanged base first): chrX-32345979-TTTTATC-T. GRCh37 (hg19) VCF-style: chrX-32364096-TTTTATC-T.
Other names: c.5520_5525del, p.1839IK[1] (NM_000109.4); c.5532_5537del, p.1843IK[1] (NM_004009.3); c.5175_5180del, p.1724IK[1] (NM_004010.3); c.1521_1526del, p.506IK[1] (NM_004011.4); c.1512_1517del, p.503IK[1] (NM_004012.4); c.5544_5549del (NM_004006.2).
Identifiers: ClinVar variation 1432670 (VCV001432670.8), dbSNP rs780967715, ClinGen allele CA10378656.
Genomic context (GRCh38, chrX:32,345,979, plus strand): 5'-ATATTATAATTTTAGCTCTAATACCTTGAGAGCATTATGTTTTGTCTGTAACAGCTGCTG[TTTTATC>T]TTTATTTCCTCTCGCTTTCTCTCATCTGTGATTCTTTGTTGTAAGTTGTCTCCTCTTTGC-3'